The following is an entry in ClinVar:

ClinVar aggregate classification (germline): Uncertain significance (1 of 4 stars; one submission).

Submission:

Labcorp Genetics (formerly Invitae), Labcorp
Classification: Uncertain significance. Last evaluated: 2024-11-09. Review status: criteria provided, single submitter. Criteria: Invitae Variant Classification Sherloc (09022015). Collection method: clinical testing. Allele origin: germline.
Comment: This sequence change falls in intron 12 of the SORL1 gene. It does not directly change the encoded amino acid sequence of the SORL1 protein. It affects a nucleotide within the consensus splice site. This variant is not present in population databases (gnomAD no frequency). This variant has not been reported in the literature in individuals affected with SORL1-related conditions. Variants that disrupt the consensus splice site are a relatively common cause of aberrant splicing (PMID: 17576681, 9536098). Algorithms developed to predict the effect of sequence changes on RNA splicing suggest that this variant is not likely to affect RNA splicing. In summary, the available evidence is currently insufficient to determine the role of this variant in disease. Therefore, it has been classified as a Variant of Uncertain Significance.

Literature cited by the submitters: PubMed 17576681; PubMed 9536098.

NM_003105.6(SORL1):c.1685+4A>G

Gene: SORL1 (sortilin related receptor 1; plus strand). Cytogenetic location: 11q24.1.
Variant type: single nucleotide variant.
Coding change: c.1685+4A>G on transcript NM_003105.6 (MANE Select); 4 bases into the intron after coding-DNA position 1685, A replaced by G.
Molecular consequence: intron variant.
Genome position (GRCh38, 1-based): chr11:121,532,556, A>G. VCF-style: chr11-121532556-A-G. GRCh37 (hg19) VCF-style: chr11-121403265-A-G.
Identifiers: ClinVar variation 3606319 (VCV003606319.2).